The following is an entry in ClinVar:

NM_000512.5(GALNS):c.791G>C (p.Ser264Thr)

Gene: GALNS (galactosamine (N-acetyl)-6-sulfatase; minus strand). Cytogenetic location: 16q24.3.
Variant type: single nucleotide variant.
Coding change: c.791G>C on transcript NM_000512.5 (MANE Select); coding-DNA position 791, G replaced by C.
Protein change: p.Ser264Thr; replaces serine 264 with threonine.
Molecular consequence: missense variant.
Genome position (GRCh38, 1-based): chr16:88,835,320, C>G on the plus strand (G>C on the coding strand, the complement: GALNS is on the minus strand). VCF-style: chr16-88835320-C-G. GRCh37 (hg19) VCF-style: chr16-88901728-C-G.
Other names: c.236G>C, p.Ser79Thr (NM_001323543.2); c.809G>C, p.Ser270Thr (NM_001323544.2); short protein forms S264T, S270T, S79T.
Identifiers: ClinVar variation 1048306 (VCV001048306.3), dbSNP rs2143001182, ClinGen allele CA397076669.

ClinVar aggregate classification (germline): Uncertain significance (1 of 4 stars; one submission).

Conditions:
Mucopolysaccharidosis, MPS-IV-A (MPS4A). Also called: Mucopolysaccharidosis type IV A; Mucopolysaccharidosis Type IVA; Morquio syndrome A, mild; MORQUIO SYNDROME A; MPS IVA; mucopolysaccharidosis type 4A. Identifiers: Orphanet 309297, Orphanet 582, MedGen C0086651, MONDO:0009659, OMIM 253000.

Submission:

Laboratory of Diagnosis and Therapy of Lysosomal Disorders, University of Padova
Classification: Uncertain significance for Mucopolysaccharidosis, MPS-IV-A. Last evaluated: 2021-02-01. Review status: criteria provided, single submitter. Criteria: ACMG Guidelines, 2015. Collection method: curation. Allele origin: germline. Affected: yes.
Comment: In vivo functional studies supportive of a damaging effect on the gene product (low to null enzymatic activity in homozygotes; PS3_supporting); absent from gnomAD v2.1.1 (PM2_moderate); multiple lines of computational evidence support a deleterious effect on the gene (PP3_supporting)

Literature cited by the submitters: PubMed 24726177; PubMed 34387910.